The following is an entry in ClinVar:

NM_004357.5(CD151):c.214A>G (p.Met72Val)

Gene: CD151 (CD151 molecule (Raph blood group); plus strand). Cytogenetic location: 11p15.5.
Variant type: single nucleotide variant.
Coding change: c.214A>G on transcript NM_004357.5 (MANE Select); coding-DNA position 214, A replaced by G.
Protein change: p.Met72Val; replaces methionine 72 with valine.
Molecular consequence: missense variant.
Genome position (GRCh38, 1-based): chr11:836,380, A>G. VCF-style: chr11-836380-A-G. GRCh37 (hg19) VCF-style: chr11-836380-A-G.
Other names: c.214A>G, p.Met72Val (NM_001039490.2, NM_139029.2, NM_139030.4); short protein forms M72V.
Identifiers: ClinVar variation 4780724 (VCV004780724.1).
Genomic context (GRCh38, chr11:836,380, plus strand): 5'-CTGGCCTCAGGCACCTACCTGGCCACAGCCTACATCCTGGTGGTGGCGGGCACTGTCGTC[A>G]TGGTGACTGGGGTCTTGGGCTGCTGCGCCACCTTCAAGGAGCGTCGGAACCTGCTGCGCC-3'
Protein context (NP_004348.2, residues 62-82): YILVVAGTVV[Met72Val]VTGVLGCCAT

ClinVar aggregate classification (germline): Uncertain significance (1 of 4 stars; one submission).

gnomAD v4.1: 4 of 1,612,490 alleles (0.00025%); highest among the groups gnomAD compares: Non-Finnish European, 0.00034%; no homozygotes.

Submission:

Labcorp Genetics (formerly Invitae), Labcorp
Classification: Uncertain significance. Last evaluated: 2025-02-27. Review status: criteria provided, single submitter. Criteria: Invitae Variant Classification Sherloc (09022015). Collection method: clinical testing. Allele origin: germline.
Comment: This sequence change replaces methionine, which is neutral and non-polar, with valine, which is neutral and non-polar, at codon 72 of the CD151 protein (p.Met72Val). This variant is not present in population databases (gnomAD no frequency). This variant has not been reported in the literature in individuals affected with CD151-related conditions. An algorithm developed to predict the effect of missense changes on protein structure and function (PolyPhen-2) suggests that this variant is likely to be tolerated. In summary, the available evidence is currently insufficient to determine the role of this variant in disease. Therefore, it has been classified as a Variant of Uncertain Significance.